The following is an entry in ClinVar:

NM_001388492.1(HTT):c.5937G>A (p.Gly1979=)

Gene: HTT (huntingtin; plus strand). Cytogenetic location: 4p16.3.
Variant type: single nucleotide variant.
Coding change: c.5937G>A on transcript NM_001388492.1 (MANE Select); coding-DNA position 5937, G replaced by A.
Protein change: p.Gly1979=; no amino-acid change (glycine 1979 retained).
Molecular consequence: synonymous variant.
Genome position (GRCh38, 1-based): chr4:3,206,845, G>A. VCF-style: chr4-3206845-G-A. GRCh37 (hg19) VCF-style: chr4-3208572-G-A.
Other names: c.5943G>A, p.Gly1981= (NM_002111.8).
Identifiers: ClinVar variation 1600756 (VCV001600756.17), dbSNP rs201094471, ClinGen allele CA2824863.
Genomic context (GRCh38, chr4:3,206,845, plus strand): 5'-TTCTTTTCCTTCTTGCTGTTAGCCAACCATGCTGAAGAAAACTCTTCAGTGCTTGGAGGG[G>A]ATCCATCTCAGCCAGTCGGGAGCTGTGCTCACGCTGTATGTGGACAGGCTTCTGTGCACC-3'
Protein context (NP_001375421.1, residues 1969-1989): MLKKTLQCLE[Gly1979=]IHLSQSGAVL

ClinVar aggregate classification (germline): Benign/Likely benign. Review status: criteria provided, multiple submitters, no conflicts (2 of 4 stars). 4 submissions from 4 submitters: Benign (2); Likely benign (2). Last evaluated 2025-11-01.

Allele frequency attached by ClinVar (database versions not stated): ExAC 0.00034; ESP Exome Variant Server 0.00090; 1000 Genomes Project 0.00160; 1000 Genomes Project 30x 0.00172.
gnomAD v4.1: 343 of 1,611,424 alleles (0.021%); highest among the groups gnomAD compares: African/African-American, 0.37%; no homozygotes.

Submissions (4):

CeGaT Center for Human Genetics Tuebingen
Classification: Likely benign. Last evaluated: 2025-11-01. Review status: criteria provided, single submitter. Criteria: CeGaT Center For Human Genetics Tuebingen Variant Classification Criteria Version 2. Collection method: clinical testing. Allele origin: germline. Affected: yes. Observed: 1 variant allele.
Comment: HTT: BP4, BP7

Blueprint Genetics
Classification: Likely benign. Last evaluated: 2024-06-28. Review status: criteria provided, single submitter. Criteria: ACMG Guidelines, 2015. Collection method: clinical testing. Allele origin: germline.

Labcorp Genetics (formerly Invitae), Labcorp
Classification: Benign. Last evaluated: 2024-02-24. Review status: criteria provided, single submitter. Criteria: Invitae Variant Classification Sherloc (09022015). Collection method: clinical testing. Allele origin: germline.

Breakthrough Genomics
Classification: Benign. Review status: criteria provided, single submitter. Criteria: ACMG Guidelines, 2015. Collection method: not provided. Allele origin: germline. Inheritance: Autosomal recessive inheritance. Affected: yes.